The following is an entry in ClinVar:

NM_001379451.1(BCORL1):c.2524C>T (p.Leu842Phe)

Gene: BCORL1 (BCL6 corepressor like 1; plus strand). Cytogenetic location: Xq26.1.
Variant type: single nucleotide variant.
Coding change: c.2524C>T on transcript NM_001379451.1 (MANE Select); coding-DNA position 2524, C replaced by T.
Protein change: p.Leu842Phe; replaces leucine 842 with phenylalanine.
Molecular consequence: missense variant.
Genome position (GRCh38, 1-based): chrX:130,015,296, C>T. VCF-style: chrX-130015296-C-T. GRCh37 (hg19) VCF-style: chrX-129149272-C-T.
Other names: c.2524C>T, p.Leu842Phe (NM_001184772.3, NM_001379450.1, NM_021946.5); short protein forms L842F.
Identifiers: ClinVar variation 1307157 (VCV001307157.3), dbSNP rs1042908337, ClinGen allele CA335103049.

ClinVar aggregate classification (germline): Uncertain significance (1 of 4 stars; one submission).

Allele frequency attached by ClinVar (database versions not stated): gnomAD exomes below 0.00001 and 0.00001; TOPMed below 0.00001.

Submission:

GeneDx
Classification: Uncertain significance. Last evaluated: 2024-06-24. Review status: criteria provided, single submitter. Criteria: GeneDx Variant Classification Process June 2021. Collection method: clinical testing. Allele origin: germline. Affected: yes.
Comment: In silico analysis indicates that this missense variant does not alter protein structure/function; Has not been previously published as pathogenic or benign to our knowledge